The following is an entry in ClinVar:

ClinVar aggregate classification (germline): Uncertain significance (1 of 4 stars; one submission).

Submission:

GeneDx
Classification: Uncertain significance. Last evaluated: 2026-10-20. Review status: criteria provided, single submitter. Criteria: GeneDx Variant Classification Process June 2021. Collection method: clinical testing. Allele origin: germline.
Comment: Not observed at significant frequency in large population cohorts (gnomAD); In silico analysis supports that this missense variant has a deleterious effect on protein structure/function; Has not been previously published as pathogenic or benign to our knowledge

NM_014112.5(TRPS1):c.1979A>G (p.Glu660Gly)

Gene: TRPS1 (transcriptional repressor GATA binding 1; minus strand). Cytogenetic location: 8q23.3.
Variant type: single nucleotide variant.
Coding change: c.1979A>G on transcript NM_014112.5 (MANE Select); coding-DNA position 1979, A replaced by G.
Protein change: p.Glu660Gly; replaces glutamic acid 660 with glycine.
Molecular consequence: missense variant.
Genome position (GRCh38, 1-based): chr8:115,603,990, T>C on the plus strand (A>G on the coding strand, the complement: TRPS1 is on the minus strand). VCF-style: chr8-115603990-T-C. GRCh37 (hg19) VCF-style: chr8-116616217-T-C.
Other names: c.1952A>G, p.Glu651Gly (NM_001282902.3); c.1958A>G, p.Glu653Gly (NM_001282903.3); c.1940A>G, p.Glu647Gly (NM_001330599.2); short protein forms E647G, E651G, E653G, E660G.
Identifiers: ClinVar variation 4072550 (VCV004072550.2).